The following is an entry in ClinVar:

ClinVar aggregate classification (germline): Uncertain significance (1 of 4 stars; one submission).

Conditions:
Dyskeratosis congenita, autosomal recessive 5 (DKCB5). Identifiers: MedGen C3554656, MONDO:0014076, OMIM 615190.
Pulmonary fibrosis and/or bone marrow failure, Telomere-related, 3. Also called: PULMONARY FIBROSIS AND/OR BONE MARROW FAILURE SYNDROME, TELOMERE-RELATED, 3. Identifiers: Orphanet 2032, MedGen C4225346, MONDO:0014613, OMIM 616373.

Submission:

Labcorp Genetics (formerly Invitae), Labcorp
Classification: Uncertain significance for Dyskeratosis congenita, autosomal recessive 5; Pulmonary fibrosis and/or bone marrow failure, Telomere-related, 3. Last evaluated: 2024-10-24. Review status: criteria provided, single submitter. Criteria: Invitae Variant Classification Sherloc (09022015). Collection method: clinical testing. Allele origin: germline.
Comment: This sequence change replaces glutamine, which is neutral and polar, with histidine, which is basic and polar, at codon 1057 of the RTEL1 protein (p.Gln1057His). This variant is not present in population databases (gnomAD no frequency). This variant has not been reported in the literature in individuals affected with RTEL1-related conditions. ClinVar contains an entry for this variant (Variation ID: 2130591). An algorithm developed to predict the effect of missense changes on protein structure and function outputs the following: PolyPhen-2: "Benign". The histidine amino acid residue is found in multiple mammalian species, which suggests that this missense change does not adversely affect protein function. In summary, the available evidence is currently insufficient to determine the role of this variant in disease. Therefore, it has been classified as a Variant of Uncertain Significance.

NM_001283009.2(RTEL1):c.3171G>T (p.Gln1057His)

Genes: RTEL1 (regulator of telomere elongation helicase 1; plus strand), RTEL1-TNFRSF6B (RTEL1-TNFRSF6B readthrough (NMD candidate); plus strand). Cytogenetic location: 20q13.33.
Variant type: single nucleotide variant.
Coding change: c.3171G>T on transcript NM_001283009.2 (MANE Select); coding-DNA position 3171, G replaced by T.
Protein change: p.Gln1057His; replaces glutamine 1057 with histidine.
Molecular consequence: missense variant. On other transcripts: non-coding transcript variant (1).
Genome position (GRCh38, 1-based): chr20:63,694,802, G>T. VCF-style: chr20-63694802-G-T. GRCh37 (hg19) VCF-style: chr20-62326155-G-T.
Other names: c.2502G>T, p.Gln834His (NM_001283010.1); c.3171G>T, p.Gln1057His (NM_016434.4); c.3243G>T, p.Gln1081His (NM_032957.5); short protein forms Q1081H, Q834H, Q1057H.
Identifiers: ClinVar variation 2130591 (VCV002130591.4), dbSNP rs2145474713, ClinGen allele CA409684897.